The following is an entry in ClinVar:

ClinVar aggregate classification (germline): Uncertain significance (1 of 4 stars; one submission).

Conditions:
Meckel-Gruber syndrome. Also called: DYSENCEPHALIA SPLANCHNOCYSTICA; GRUBER SYNDROME; Dysencephalia splachnocystica. Identifiers: Orphanet 564, MedGen C0265215, MONDO:0018921.
Joubert syndrome. Also called: CEREBELLOPARENCHYMAL DISORDER IV; JOUBERT-BOLTSHAUSER SYNDROME; Familial aplasia of the vermis. Identifiers: Orphanet 475, MedGen C5979921, MONDO:0018772.

Submission:

Labcorp Genetics (formerly Invitae), Labcorp
Classification: Uncertain significance for Joubert syndrome; Meckel-Gruber syndrome. Last evaluated: 2021-08-30. Review status: criteria provided, single submitter. Criteria: Invitae Variant Classification Sherloc (09022015). Collection method: clinical testing. Allele origin: germline.
Comment: This sequence change replaces arginine with leucine at codon 1119 of the RPGRIP1L protein (p.Arg1119Leu). The arginine residue is weakly conserved and there is a moderate physicochemical difference between arginine and leucine. The frequency data for this variant in the population databases is considered unreliable, as metrics indicate insufficient coverage at this position in the ExAC database. This variant has not been reported in the literature in individuals affected with RPGRIP1L-related conditions. Algorithms developed to predict the effect of missense changes on protein structure and function (SIFT, PolyPhen-2, Align-GVGD) all suggest that this variant is likely to be tolerated. In summary, the available evidence is currently insufficient to determine the role of this variant in disease. Therefore, it has been classified as a Variant of Uncertain Significance.

NM_015272.5(RPGRIP1L):c.3356G>T (p.Arg1119Leu)

Gene: RPGRIP1L (RPGRIP1 like; minus strand). Cytogenetic location: 16q12.2.
Variant type: single nucleotide variant.
Coding change: c.3356G>T on transcript NM_015272.5 (MANE Select); coding-DNA position 3356, G replaced by T.
Protein change: p.Arg1119Leu; replaces arginine 1119 with leucine.
Molecular consequence: missense variant. On other transcripts: intron variant (2).
Genome position (GRCh38, 1-based): chr16:53,622,295, C>A on the plus strand (G>T on the coding strand, the complement: RPGRIP1L is on the minus strand). VCF-style: chr16-53622295-C-A. GRCh37 (hg19) VCF-style: chr16-53656207-C-A.
Other names: c.3254G>T, p.Arg1085Leu (NM_001330538.2); c.3193-3087G>T (NM_001127897.4); c.3295-3087G>T (NM_001308334.3); short protein forms R1085L, R1119L.
Identifiers: ClinVar variation 1446973 (VCV001446973.5), dbSNP rs1207253947, ClinGen allele CA395924092.